The following is an entry in ClinVar:

NM_173607.5(FAM177A1):c.174C>T (p.Asn58=)

Gene: FAM177A1 (family with sequence similarity 177 member A1; plus strand). Cytogenetic location: 14q13.2.
Variant type: single nucleotide variant.
Coding change: c.174C>T on transcript NM_173607.5 (MANE Select); coding-DNA position 174, C replaced by T.
Protein change: p.Asn58=; no amino-acid change (asparagine 58 retained).
Molecular consequence: synonymous variant.
Genome position (GRCh38, 1-based): chr14:35,053,286, C>T. VCF-style: chr14-35053286-C-T. GRCh37 (hg19) VCF-style: chr14-35522492-C-T.
Other names: c.105C>T, p.Asn35= (NM_001079519.1, NM_001289022.3).
Identifiers: ClinVar variation 729468 (VCV000729468.28), dbSNP rs113488536, ClinGen allele CA7153982.
Genomic context (GRCh38, chr14:35,053,286, plus strand): 5'-AAGAAAATTAATCTCACTTGAAACTCATTTTCTTAAAATATCGTTGATATAGATGAGTAA[C>T]GAAAGAGGCTTTGAAAATGTAGAACTGGGAGTCATAGGAAAAAAGAAGAAAGTCCCAAGG-3'
Protein context (NP_775878.2, residues 48-68): AFGESAGQMS[Asn58=]ERGFENVELG

ClinVar aggregate classification (germline): Benign/Likely benign. Review status: criteria provided, multiple submitters, no conflicts (2 of 4 stars). 3 submissions from 3 submitters: Benign (2); Likely benign (1). Last evaluated 2025-12-01.

Allele frequency attached by ClinVar (database versions not stated): ESP Exome Variant Server 0.00092; gnomAD 0.00094 and 0.00107; TOPMed 0.00132; 1000 Genomes Project 0.00140; 1000 Genomes Project 30x 0.00156.
gnomAD v4.1: 1,772 of 1,609,392 alleles (0.11%); highest among the groups gnomAD compares: Middle Eastern, 2.4%; 12 homozygotes.

Submissions (3):

CeGaT Center for Human Genetics Tuebingen
Classification: Likely benign. Last evaluated: 2025-12-01. Review status: criteria provided, single submitter. Criteria: CeGaT Center For Human Genetics Tuebingen Variant Classification Criteria Version 2. Collection method: clinical testing. Allele origin: germline. Affected: yes. Observed: 3 variant alleles.
Comment: FAM177A1: BP4, BP7

Labcorp Genetics (formerly Invitae), Labcorp
Classification: Benign. Last evaluated: 2018-06-18. Review status: criteria provided, single submitter. Criteria: Invitae Variant Classification Sherloc (09022015). Collection method: clinical testing. Allele origin: germline.

Breakthrough Genomics
Classification: Benign. Review status: criteria provided, single submitter. Criteria: ACMG Guidelines, 2015. Collection method: not provided. Allele origin: germline. Inheritance: Unknown mechanism. Affected: yes.